The following is an entry in ClinVar:

ClinVar aggregate classification (germline): Uncertain significance. Review status: criteria provided, multiple submitters, no conflicts (2 of 4 stars). 2 submissions from 2 submitters: Uncertain significance (2). Last evaluated 2024-12-22.

Conditions:
Inborn genetic diseases. Identifiers: MedGen C0950123, MeSH D030342.

Allele frequency attached by ClinVar (database versions not stated): gnomAD 0.00001; gnomAD exomes 0.00001; TOPMed 0.00002; ExAC 0.00005.
gnomAD v4.1: 6 of 1,611,330 alleles (0.00037%); highest among the groups gnomAD compares: Admixed American, 0.01%; no homozygotes.

Submissions (2):

Ambry Genetics
Classification: Uncertain significance for Inborn genetic diseases. Last evaluated: 2024-12-22. Review status: criteria provided, single submitter. Criteria: Ambry Variant Classification Scheme 2023. Collection method: clinical testing. Allele origin: germline.
Comment: The p.D200A variant (also known as c.599A>C), located in coding exon 5 of the PAX5 gene, results from an A to C substitution at nucleotide position 599. The aspartic acid at codon 200 is replaced by alanine, an amino acid with dissimilar properties. This amino acid position is conserved. In addition, this alteration is predicted to be deleterious by in silico analysis. Based on the available evidence, the clinical significance of this variant remains unclear.

Labcorp Genetics (formerly Invitae), Labcorp
Classification: Uncertain significance. Last evaluated: 2023-04-16. Review status: criteria provided, single submitter. Criteria: Invitae Variant Classification Sherloc (09022015). Collection method: clinical testing. Allele origin: germline.
Comment: This variant has not been reported in the literature in individuals affected with PAX5-related conditions. This sequence change replaces aspartic acid, which is acidic and polar, with alanine, which is neutral and non-polar, at codon 200 of the PAX5 protein (p.Asp200Ala). This variant is present in population databases (rs752373531, gnomAD 0.02%). Advanced modeling of protein sequence and biophysical properties (such as structural, functional, and spatial information, amino acid conservation, physicochemical variation, residue mobility, and thermodynamic stability) performed at Invitae indicates that this missense variant is not expected to disrupt PAX5 protein function. In summary, the available evidence is currently insufficient to determine the role of this variant in disease. Therefore, it has been classified as a Variant of Uncertain Significance.

NM_016734.3(PAX5):c.599A>C (p.Asp200Ala)

Genes: PAX5 (paired box 5; minus strand), LOC105376032 (uncharacterized LOC105376032; plus strand). Cytogenetic location: 9p13.2.
Variant type: single nucleotide variant.
Coding change: c.599A>C on transcript NM_016734.3 (MANE Select); coding-DNA position 599, A replaced by C.
Protein change: p.Asp200Ala; replaces aspartic acid 200 with alanine.
Molecular consequence: missense variant. On other transcripts: non-coding transcript variant (2), intron variant (2).
Genome position (GRCh38, 1-based): chr9:37,002,653, T>G on the plus strand (A>C on the coding strand, the complement: PAX5 is on the minus strand). VCF-style: chr9-37002653-T-G. GRCh37 (hg19) VCF-style: chr9-37002650-T-G.
Other names: c.599A>C, p.Asp200Ala (NM_001280547.2, NM_001280548.2, NM_001280549.2 and 2 more transcripts); c.275A>C, p.Asp92Ala (NM_001280551.2, NM_001280556.2); c.401A>C, p.Asp134Ala (NM_001280555.2); c.475+3820A>C (NM_001280553.2, NM_001280554.2); c.599A>C (NM_016734.1); short protein forms D92A, D200A, D134A.
Identifiers: ClinVar variation 2903247 (VCV002903247.4), dbSNP rs752373531, ClinGen allele CA5058269.